The following is an entry in ClinVar:

NM_024537.4(CARS2):c.1632C>A (p.Ser544Arg)

Gene: CARS2 (cysteinyl-tRNA synthetase 2, mitochondrial; minus strand). Cytogenetic location: 13q34.
Variant type: single nucleotide variant.
Coding change: c.1632C>A on transcript NM_024537.4 (MANE Select); coding-DNA position 1632, C replaced by A.
Protein change: p.Ser544Arg; replaces serine 544 with arginine.
Molecular consequence: missense variant. On other transcripts: non-coding transcript variant (2).
Genome position (GRCh38, 1-based): chr13:110,641,600, G>T on the plus strand (C>A on the coding strand, the complement: CARS2 is on the minus strand). VCF-style: chr13-110641600-G-T. GRCh37 (hg19) VCF-style: chr13-111293947-G-T.
Other names: c.846C>A, p.Ser282Arg (NM_001352252.2); short protein forms S544R, S282R.
Identifiers: ClinVar variation 475624 (VCV000475624.21), dbSNP rs141184379, ClinGen allele CA7051567.
Genomic context (GRCh38, chr13:110,641,600, plus strand): 5'-GCCCGCTGATTTTTGGTCTTTTGTCCTTTGATCCAGCAGTTCCCACGTGGATGTTGTACT[G>T]CTTCTGTCCTGGAGAAGAAGAGTGAGGTCCAACTCTGAGCAGACACCACGTCATGTGGCA-3'
Protein context (NP_078813.1, residues 534-554): TAHGINIKDR[Ser544Arg]STTSTWELLD

ClinVar aggregate classification (germline): Conflicting classifications of pathogenicity. Review status: criteria provided, conflicting classifications (1 of 4 stars). 7 submissions from 7 submitters: Uncertain significance (2); Likely benign (4). 1 of the submissions does not count toward it. Last evaluated 2026-02-02.

Conditions:
Inborn genetic diseases. Identifiers: MedGen C0950123, MeSH D030342.
Combined oxidative phosphorylation defect type 27. Also called: Combined oxidative phosphorylation deficiency 27. Identifiers: Orphanet 477774, MedGen C5567608, MONDO:0014728, OMIM 616672.
CARS2-related disorder. Also called: CARS2-related condition.

Allele frequency attached by ClinVar (database versions not stated): gnomAD exomes 0.00020 and 0.00065; ExAC 0.00074; 1000 Genomes Project 30x 0.00219; 1000 Genomes Project 0.00240; ESP Exome Variant Server 0.00246; gnomAD 0.00270 and 0.00297; TOPMed 0.00296.
gnomAD v4.1: 726 of 1,613,552 alleles (0.045%); highest among the groups gnomAD compares: African/African-American, 0.84%; 2 homozygotes.

Submissions (7):

Labcorp Genetics (formerly Invitae), Labcorp
Classification: Likely benign for Combined oxidative phosphorylation defect type 27. Last evaluated: 2026-02-02. Review status: criteria provided, single submitter. Criteria: Invitae Variant Classification Sherloc (09022015). Collection method: clinical testing. Allele origin: germline.

Blueprint Genetics
Classification: Likely benign. Last evaluated: 2024-06-10. Review status: criteria provided, single submitter. Criteria: ACMG Guidelines, 2015. Collection method: clinical testing. Allele origin: germline.

Ambry Genetics
Classification: Likely benign for Inborn genetic diseases. Last evaluated: 2024-03-01. Review status: criteria provided, single submitter. Criteria: Ambry Variant Classification Scheme 2023. Collection method: clinical testing. Allele origin: germline.

Women's Health and Genetics/Laboratory Corporation of America, LabCorp
Classification: Uncertain significance. Last evaluated: 2023-10-27. Review status: criteria provided, single submitter. Criteria: LabCorp Variant Classification Summary - May 2015. Collection method: clinical testing. Allele origin: germline.
Comment: Variant summary: CARS2 c.1632C>A (p.Ser544Arg) results in a non-conservative amino acid change in the encoded protein sequence. Four of five in-silico tools predict a benign effect of the variant on protein function. The variant allele was found at a frequency of 0.00065 in 251442 control chromosomes, predominantly at a frequency of 0.0087 within the African or African-American subpopulation in the gnomAD database. To our knowledge, c.1632C>A has not been reported in the literature in individuals affected with Combined Oxidative Phosphorylation Defect Type 27 and no experimental evidence demonstrating an impact on protein function has been reported. The following publication has been ascertained in the context of this evaluation (PMID: 26257172). Three submitters have cited clinical-significance assessments for this variant to ClinVar after 2014, classifying the variant as uncertain significance (n=1) or likely benign (n=2). Based on the evidence outlined above, the variant was classified as uncertain significance.

GeneDx
Classification: Likely benign. Last evaluated: 2020-05-18. Review status: criteria provided, single submitter. Criteria: GeneDx Variant Classification Process June 2021. Collection method: clinical testing. Allele origin: germline. Affected: yes.

Baylor Genetics
Classification: Uncertain significance for Combined oxidative phosphorylation defect type 27. Last evaluated: 2019-09-06. Review status: criteria provided, single submitter. Criteria: ACMG Guidelines, 2015. Collection method: clinical testing. Allele origin: unknown. Affected: yes.
Comment: This variant was determined to be of uncertain significance according to ACMG Guidelines, 2015 [PMID:25741868].

PreventionGenetics, part of Exact Sciences
Classification: Benign for CARS2-related condition. Last evaluated: 2019-09-23. Review status: no assertion criteria provided. Collection method: clinical testing. Allele origin: germline. Not counted in ClinVar's aggregate classification.
Comment: This variant is classified as benign based on ACMG/AMP sequence variant interpretation guidelines (Richards et al. 2015 PMID: 25741868, with internal and published modifications).

Literature cited by the submitters: PubMed 26257172 (cited by Women's Health and Genetics/Laboratory Corporation of America, LabCorp).